The following is an entry in ClinVar:

ClinVar aggregate classification (germline): Uncertain significance (1 of 4 stars; one submission).

Conditions:
Inborn genetic diseases. Identifiers: MedGen C0950123, MeSH D030342.

Submission:

Ambry Genetics
Classification: Uncertain significance for Inborn genetic diseases. Last evaluated: 2023-11-02. Review status: criteria provided, single submitter. Criteria: Ambry Variant Classification Scheme 2023. Collection method: clinical testing. Allele origin: germline.
Comment: The p.V1740I variant (also known as c.5218G>A), located in coding exon 30 of the ATR gene, results from a G to A substitution at nucleotide position 5218. The valine at codon 1740 is replaced by isoleucine, an amino acid with highly similar properties. This amino acid position is conserved. In addition, this alteration is predicted to be tolerated by in silico analysis. Since supporting evidence is limited at this time, the clinical significance of this alteration remains unclear.

NM_001184.4(ATR):c.5218G>A (p.Val1740Ile)

Gene: ATR (ATR checkpoint kinase; minus strand). Cytogenetic location: 3q23.
Variant type: single nucleotide variant.
Coding change: c.5218G>A on transcript NM_001184.4 (MANE Select); coding-DNA position 5218, G replaced by A.
Protein change: p.Val1740Ile; replaces valine 1740 with isoleucine.
Molecular consequence: missense variant.
Genome position (GRCh38, 1-based): chr3:142,503,432, C>T on the plus strand (G>A on the coding strand, the complement: ATR is on the minus strand). VCF-style: chr3-142503432-C-T. GRCh37 (hg19) VCF-style: chr3-142222274-C-T.
Other names: c.5026G>A, p.Val1676Ile (NM_001354579.2); short protein forms V1676I, V1740I.
Identifiers: ClinVar variation 3221201 (VCV003221201.1), dbSNP rs1386143600, ClinGen allele CA354818535.